The following is an entry in ClinVar:

ClinVar aggregate classification (germline): Uncertain significance/VUS-low. Review status: criteria provided, multiple submitters, no conflicts (2 of 4 stars). 2 submissions from 2 submitters: Uncertain significance (1); VUS-low (1). Last evaluated 2026-06-12.

Conditions:
Hereditary spastic paraplegia 8 (SPG8). Also called: SPASTIC PARAPLEGIA 8, AUTOSOMAL DOMINANT. Identifiers: Orphanet 100989, MedGen C1863704, MONDO:0011339, OMIM 603563.
Ritscher-Schinzel syndrome. Also called: CRANIOCEREBELLOCARDIAC DYSPLASIA. Identifiers: Orphanet 7, MedGen C0796137, MONDO:0019078.

gnomAD v4.1: 12 of 1,614,030 alleles (0.00074%); highest among the groups gnomAD compares: Non-Finnish European, 0.00051%; no homozygotes.

Submissions (2):

Clinical Omics and Informatics (COIN) Unit, Neuroscience Institute, University Of Cape Town
Classification: VUS-low for Hereditary spastic paraplegia 8. Last evaluated: 2026-06-12. Review status: criteria provided, single submitter. Criteria: ACMG Guidelines, 2015. Collection method: research. Allele origin: germline. Inheritance: Autosomal dominant inheritance. Affected: yes. Observed: 1 variant allele, 1 heterozygote.
Comment: The highest population allele frequency in gnomAD v4 is 0.00009601 (0,002%, 6/62496 alleles in the remaining population), no homozygous observations were noted. The variant is absent from AGVD. PP3_Moderate: Revel score is 0.80. PM1 Not Met: Pathogenic variants cluster in the central spectrin-repeat region of strumpellin (approximately residues 241–791) (PMID:31814071). Sequencing funded by the International Centre for Genomic Medicine in Neuromuscular Diseases (ICGNMD)

Labcorp Genetics (formerly Invitae), Labcorp
Classification: Uncertain significance for Ritscher-Schinzel syndrome; Hereditary spastic paraplegia 8. Last evaluated: 2024-10-29. Review status: criteria provided, single submitter. Criteria: Invitae Variant Classification Sherloc (09022015). Collection method: clinical testing. Allele origin: germline.
Comment: This sequence change replaces isoleucine, which is neutral and non-polar, with phenylalanine, which is neutral and non-polar, at codon 831 of the WASHC5 protein (p.Ile831Phe). This variant is not present in population databases (gnomAD no frequency). This variant has not been reported in the literature in individuals affected with WASHC5-related conditions. Invitae Evidence Modeling of protein sequence and biophysical properties (such as structural, functional, and spatial information, amino acid conservation, physicochemical variation, residue mobility, and thermodynamic stability) indicates that this missense variant is not expected to disrupt WASHC5 protein function with a negative predictive value of 80%. In summary, the available evidence is currently insufficient to determine the role of this variant in disease. Therefore, it has been classified as a Variant of Uncertain Significance.

Literature cited by the submitters: PubMed 31814071 (cited by Clinical Omics and Informatics (COIN) Unit, Neuroscience Institute, University Of Cape Town).

NM_014846.4(WASHC5):c.2491A>T (p.Ile831Phe)

Gene: WASHC5 (WASH complex subunit 5; minus strand). Cytogenetic location: 8q24.13.
Variant type: single nucleotide variant.
Coding change: c.2491A>T on transcript NM_014846.4 (MANE Select); coding-DNA position 2491, A replaced by T.
Protein change: p.Ile831Phe; replaces isoleucine 831 with phenylalanine.
Molecular consequence: missense variant.
Genome position (GRCh38, 1-based): chr8:125,047,220, T>A on the plus strand (A>T on the coding strand, the complement: WASHC5 is on the minus strand). VCF-style: chr8-125047220-T-A. GRCh37 (hg19) VCF-style: chr8-126059462-T-A.
Other names: c.2047A>T, p.Ile683Phe (NM_001330609.2); short protein forms I683F, I831F.
Identifiers: ClinVar variation 3760738 (VCV003760738.3).